The following is an entry in ClinVar:

ClinVar aggregate classification (germline): Uncertain significance (1 of 4 stars; one submission).

Conditions:
Gamma-aminobutyric acid transaminase deficiency (GABATD). Also called: Gamma aminobutyrate transaminase deficiency; 4 alpha aminobutyrate transaminase deficiency; GABA aminotransaminase deficiency; GABA transaminase deficiency. Identifiers: Orphanet 2066, MedGen C0342708, MONDO:0013166, OMIM 613163.

Submission:

Labcorp Genetics (formerly Invitae), Labcorp
Classification: Uncertain significance for Gamma-aminobutyric acid transaminase deficiency. Last evaluated: 2021-06-07. Review status: criteria provided, single submitter. Criteria: Invitae Variant Classification Sherloc (09022015). Collection method: clinical testing. Allele origin: germline.
Comment: Algorithms developed to predict the effect of sequence changes on RNA splicing suggest that this variant may create or strengthen a splice site, but this prediction has not been confirmed by published transcriptional studies. In summary, the available evidence is currently insufficient to determine the role of this variant in disease. Therefore, it has been classified as a Variant of Uncertain Significance. Algorithms developed to predict the effect of missense changes on protein structure and function (SIFT, PolyPhen-2, Align-GVGD) all suggest that this variant is likely to be tolerated, but these predictions have not been confirmed by published functional studies and their clinical significance is uncertain. This variant has not been reported in the literature in individuals with ABAT-related conditions. This variant is not present in population databases (ExAC no frequency). This sequence change replaces isoleucine with valine at codon 236 of the ABAT protein (p.Ile236Val). The isoleucine residue is moderately conserved and there is a small physicochemical difference between isoleucine and valine.

NM_020686.6(ABAT):c.706A>G (p.Ile236Val)

Gene: ABAT (4-aminobutyrate aminotransferase; plus strand). Cytogenetic location: 16p13.2.
Variant type: single nucleotide variant.
Coding change: c.706A>G on transcript NM_020686.6 (MANE Select); coding-DNA position 706, A replaced by G.
Protein change: p.Ile236Val; replaces isoleucine 236 with valine.
Molecular consequence: missense variant.
Genome position (GRCh38, 1-based): chr16:8,768,863, A>G. VCF-style: chr16-8768863-A-G. GRCh37 (hg19) VCF-style: chr16-8862720-A-G.
Other names: c.706A>G, p.Ile236Val (NM_000663.5, NM_001127448.2, NM_001386600.1 and 7 more transcripts); c.643A>G, p.Ile215Val (NM_001386606.1, NM_001386607.1); c.613A>G, p.Ile205Val (NM_001386608.1); c.571A>G, p.Ile191Val (NM_001386610.1, NM_001386611.1); c.508A>G, p.Ile170Val (NM_001386612.1, NM_001386613.1); c.460A>G, p.Ile154Val (NM_001386614.1); c.802A>G, p.Ile268Val (NM_001386615.1); short protein forms I170V, I268V, I215V, I236V, I154V, I191V, I205V.
Identifiers: ClinVar variation 1466537 (VCV001466537.8), dbSNP rs2142977210, ClinGen allele CA394688940.
Genomic context (GRCh38, chr16:8,768,863, plus strand): 5'-TTTTCTGTTTTGCTGAACTCAGGTTGCTTAGCGACCACGCACTCTAAAGCCATTCACAAG[A>G]TCGACATCCCTTCCTTTGACTGGCCCATCGCACCGTTCCCACGGCTGAAATACCCTCTGG-3'
Protein context (NP_065737.2, residues 226-246): ATTHSKAIHK[Ile236Val]DIPSFDWPIA